The following is an entry in ClinVar:

ClinVar aggregate classification (germline): Uncertain significance (1 of 4 stars; one submission).

Conditions:
Mucopolysaccharidosis, MPS-IV-A (MPS4A). Also called: Mucopolysaccharidosis type IV A; Mucopolysaccharidosis Type IVA; Morquio syndrome A, mild; MORQUIO SYNDROME A; MPS IVA; mucopolysaccharidosis type 4A. Identifiers: Orphanet 309297, Orphanet 582, MedGen C0086651, MONDO:0009659, OMIM 253000.

Submission:

Laboratory of Diagnosis and Therapy of Lysosomal Disorders, University of Padova
Classification: Uncertain significance for Mucopolysaccharidosis, MPS-IV-A. Last evaluated: 2021-02-01. Review status: criteria provided, single submitter. Criteria: ACMG Guidelines, 2015. Collection method: curation. Allele origin: germline. Affected: yes.
Comment: Located in a mutational hot spot and/or critical and well-established functional domain without benign variation (PM1_moderate); very low frequency in gnomAD v2.1.1 (PM2_moderate); multiple lines of computational evidence support a deleterious effect on the gene (PP3_supporting)

Literature cited by the submitters: PubMed 20574428; PubMed 34387910.

NM_000512.5(GALNS):c.706C>G (p.His236Asp)

Gene: GALNS (galactosamine (N-acetyl)-6-sulfatase; minus strand). Cytogenetic location: 16q24.3.
Variant type: single nucleotide variant.
Coding change: c.706C>G on transcript NM_000512.5 (MANE Select); coding-DNA position 706, C replaced by G.
Protein change: p.His236Asp; replaces histidine 236 with aspartic acid.
Molecular consequence: missense variant.
Genome position (GRCh38, 1-based): chr16:88,835,777, G>C on the plus strand (C>G on the coding strand, the complement: GALNS is on the minus strand). VCF-style: chr16-88835777-G-C. GRCh37 (hg19) VCF-style: chr16-88902185-G-C.
Other names: c.151C>G, p.His51Asp (NM_001323543.2); c.724C>G, p.His242Asp (NM_001323544.2); short protein forms H236D, H242D, H51D.
Identifiers: ClinVar variation 1048201 (VCV001048201.3), dbSNP rs1228027865, ClinGen allele CA397080339.
Genomic context (GRCh38, chr16:88,835,777, plus strand): 5'-GGACTCACCGCCCTCGCTGACTGGTGCCCAAGAAGGGTTTGGAGGCATAGACGGGTGCGT[G>C]CGTGGCGTCGACAGCCCAGTAGAGGAAAAAGGGGTGGTGCCGTGCCTGTCTCTTAATGAA-3'
Protein context (NP_000503.1, residues 226-246): FFLYWAVDAT[His236Asp]APVYASKPFL